The following is an entry in ClinVar:

NM_175940.3(DUOX1):c.4561G>C (p.Gly1521Arg)

Gene: DUOX1 (dual oxidase 1; plus strand). Cytogenetic location: 15q21.1.
Variant type: single nucleotide variant.
Coding change: c.4561G>C on transcript NM_175940.3 (MANE Select); coding-DNA position 4561, G replaced by C.
Protein change: p.Gly1521Arg; replaces glycine 1521 with arginine.
Molecular consequence: missense variant.
Genome position (GRCh38, 1-based): chr15:45,164,806, G>C. VCF-style: chr15-45164806-G-C. GRCh37 (hg19) VCF-style: chr15-45457004-G-C.
Other names: c.4561G>C, p.Gly1521Arg (NM_017434.5); short protein forms G1521R.
Identifiers: ClinVar variation 2645304 (VCV002645304.24), dbSNP rs144461893, ClinGen allele CA7541616.
Genomic context (GRCh38, chr15:45,164,806, plus strand): 5'-AGAGTTAGCCTCCACTTATTCCTCCTGCAACAGGTCCGGAAGATCGGGGTGTTTAGCTGT[G>C]GCCCCCCTGGCATGACCAAGAATGTGGAAAAGGCCTGTCAGCTCATCAACAGGCAGGACC-3'
Protein context (NP_787954.1, residues 1511-1531): QVRKIGVFSC[Gly1521Arg]PPGMTKNVEK

ClinVar aggregate classification (germline): Likely benign (1 of 4 stars; one submission).

Allele frequency attached by ClinVar (database versions not stated): gnomAD 0.00054; ExAC 0.00061; TOPMed 0.00080; ESP Exome Variant Server 0.00023; gnomAD exomes 0.00028; 1000 Genomes Project 30x 0.00031; 1000 Genomes Project 0.00040.
gnomAD v4.1: 515 of 1,614,114 alleles (0.032%); highest among the groups gnomAD compares: South Asian, 0.17%; 6 homozygotes.

Submission:

CeGaT Center for Human Genetics Tuebingen
Classification: Likely benign. Last evaluated: 2023-03-01. Review status: criteria provided, single submitter. Criteria: CeGaT Center For Human Genetics Tuebingen Variant Classification Criteria Version 2. Collection method: clinical testing. Allele origin: germline. Affected: yes. Observed: 1 variant allele.
Comment: DUOX1: PP3, BS2